The following is an entry in ClinVar:

ClinVar aggregate classification (germline): Uncertain significance. Review status: criteria provided, multiple submitters, no conflicts (2 of 4 stars). 2 submissions from 2 submitters: Uncertain significance (2). Last evaluated 2026-08-01.

gnomAD v4.1: 85 of 1,551,658 alleles (0.0055%); highest among the groups gnomAD compares: Middle Eastern, 0.033%; no homozygotes.

Submissions (2):

CeGaT Center for Human Genetics Tuebingen
Classification: Uncertain significance. Last evaluated: 2026-08-01. Review status: criteria provided, single submitter. Criteria: CeGaT Center For Human Genetics Tuebingen Variant Classification Criteria Version 2. Collection method: clinical testing. Allele origin: germline. Affected: yes. Observed: 1 variant allele.
Comment: DNHD1: PM2, PP2, BP4

Ambry Genetics
Classification: Uncertain significance. Last evaluated: 2025-10-29. Review status: criteria provided, single submitter. Criteria: Ambry Variant Classification Scheme 2023. Collection method: clinical testing. Allele origin: germline.

NM_144666.3(DNHD1):c.8669C>T (p.Ser2890Leu)

Gene: DNHD1 (dynein heavy chain domain 1; plus strand). Cytogenetic location: 11p15.4.
Variant type: single nucleotide variant.
Coding change: c.8669C>T on transcript NM_144666.3 (MANE Select); coding-DNA position 8669, C replaced by T.
Protein change: p.Ser2890Leu; replaces serine 2890 with leucine.
Molecular consequence: missense variant.
Genome position (GRCh38, 1-based): chr11:6,557,964, C>T. VCF-style: chr11-6557964-C-T. GRCh37 (hg19) VCF-style: chr11-6579194-C-T.
Other names: short protein forms S2890L.
Identifiers: ClinVar variation 4661477 (VCV004661477.2).
Genomic context (GRCh38, chr11:6,557,964, plus strand): 5'-AGCACGTGGCCCGCCTGGTCCGGGTGCTGGCCAGGCCCCGGCAGCATGGCCTGCTGCTCT[C>T]GGGGGCTCTGGGTACTGGGCGCCACACTGCCATCACTCTGGCTTCTAGCATTTGTCAGGC-3'
Protein context (NP_653267.2, residues 2880-2900): ARPRQHGLLL[Ser2890Leu]GALGTGRHTA